The following is an entry in ClinVar:

ClinVar aggregate classification (germline): Uncertain significance. Review status: criteria provided, multiple submitters, no conflicts (2 of 4 stars). 2 submissions from 2 submitters: Uncertain significance (2). Last evaluated 2025-05-17.

Allele frequency attached by ClinVar (database versions not stated): gnomAD exomes 0.00002; gnomAD 0.00003; TOPMed 0.00005; ExAC 0.00008.
gnomAD v4.1: 27 of 1,498,706 alleles (0.0018%); highest among the groups gnomAD compares: East Asian, 0.063%; no homozygotes.

Submissions (2):

Labcorp Genetics (formerly Invitae), Labcorp
Classification: Uncertain significance. Last evaluated: 2025-05-17. Review status: criteria provided, single submitter. Criteria: Invitae Variant Classification Sherloc (09022015). Collection method: clinical testing. Allele origin: germline.
Comment: This sequence change replaces glutamine, which is neutral and polar, with arginine, which is basic and polar, at codon 197 of the YME1L1 protein (p.Gln197Arg). This variant is present in population databases (rs754226357, gnomAD 0.1%), and has an allele count higher than expected for a pathogenic variant. This variant has not been reported in the literature in individuals affected with YME1L1-related conditions. ClinVar contains an entry for this variant (Variation ID: 2070446). An algorithm developed to predict the effect of missense changes on protein structure and function (PolyPhen-2) suggests that this variant is likely to be tolerated. In summary, the available evidence is currently insufficient to determine the role of this variant in disease. Therefore, it has been classified as a Variant of Uncertain Significance.

Ambry Genetics
Classification: Uncertain significance. Last evaluated: 2024-04-29. Review status: criteria provided, single submitter. Criteria: Ambry Variant Classification Scheme 2023. Collection method: clinical testing. Allele origin: germline.

NM_014263.4(YME1L1):c.419A>G (p.Gln140Arg)

Gene: YME1L1 (YME1 like 1 ATPase; minus strand). Cytogenetic location: 10p12.1.
Variant type: single nucleotide variant.
Coding change: c.419A>G on transcript NM_014263.4 (MANE Select); coding-DNA position 419, A replaced by G.
Protein change: p.Gln140Arg; replaces glutamine 140 with arginine.
Molecular consequence: missense variant. On other transcripts: intron variant (1).
Genome position (GRCh38, 1-based): chr10:27,142,398, T>C on the plus strand (A>G on the coding strand, the complement: YME1L1 is on the minus strand). VCF-style: chr10-27142398-T-C. GRCh37 (hg19) VCF-style: chr10-27431327-T-C.
Other names: c.590A>G, p.Gln197Arg (NM_139312.3); c.331+3030A>G (NM_001253866.2); c.590A>G (NM_139312.1); short protein forms Q140R, Q197R.
Identifiers: ClinVar variation 2070446 (VCV002070446.5), dbSNP rs754226357, ClinGen allele CA5449612.
Genomic context (GRCh38, chr10:27,142,398, plus strand): 5'-TAGTAAATAAATATTTTTTTTTCCACAATTTATGGTTGTTGCTTCATACCTGGCCAGTAC[T>C]GAAGATCTGAACAAATGCTTTGAAGAGCTCTTGAATGATGTCGATACAAGCAAGAGGAAC-3'
Protein context (NP_055078.1, residues 130-150): RALQSICSDL[Gln140Arg]YWPVFIQSRG